The following is an entry in ClinVar:

ClinVar aggregate classification (germline): Uncertain significance (1 of 4 stars; one submission).

Submission:

GeneDx
Classification: Uncertain significance. Last evaluated: 2019-06-12. Review status: criteria provided, single submitter. Criteria: GeneDx Variant Classification Process June 2021. Collection method: clinical testing. Allele origin: germline. Affected: yes.
Comment: Not observed in large population cohorts (Lek et al., 2016); In silico analysis, which includes protein predictors and evolutionary conservation, supports that this variant does not alter protein structure/function; Has not been previously published as pathogenic or benign to our knowledge

NM_000059.4(BRCA2):c.10003G>A (p.Glu3335Lys)

Gene: BRCA2 (BRCA2 DNA repair associated; plus strand). Cytogenetic location: 13q13.1.
Variant type: single nucleotide variant.
Coding change: c.10003G>A on transcript NM_000059.4 (MANE Select); coding-DNA position 10003, G replaced by A.
Protein change: p.Glu3335Lys; replaces glutamic acid 3335 with lysine.
Molecular consequence: missense variant.
Genome position (GRCh38, 1-based): chr13:32,398,516, G>A. VCF-style: chr13-32398516-G-A. GRCh37 (hg19) VCF-style: chr13-32972653-G-A.
Other names: short protein forms E3335K.
Identifiers: ClinVar variation 1318631 (VCV001318631.2), dbSNP rs2137665680, ClinGen allele CA387767673.